The following is an entry in ClinVar:

ClinVar aggregate classification (germline): Conflicting classifications of pathogenicity. Review status: criteria provided, conflicting classifications (1 of 4 stars). 4 submissions from 4 submitters: Uncertain significance (1); Likely benign (3). Last evaluated 2025-12-27.

Conditions:
TMPRSS6-related disorder. Also called: TMPRSS6-related condition.
Microcytic anemia. Identifiers: MedGen C5194182, MONDO:0001245, HP:0001935. Disease mechanism: loss of function.

Allele frequency attached by ClinVar (database versions not stated): gnomAD exomes 0.00018 and 0.00035; ExAC 0.00046; ESP Exome Variant Server 0.00177; gnomAD 0.00187 and 0.00199; 1000 Genomes Project 0.00260; TOPMed 0.00207; 1000 Genomes Project 30x 0.00297.
gnomAD v4.1: 547 of 1,613,764 alleles (0.034%); highest among the groups gnomAD compares: African/African-American, 0.66%; 3 homozygotes.

Submissions (4):

Labcorp Genetics (formerly Invitae), Labcorp
Classification: Likely benign. Last evaluated: 2025-12-27. Review status: criteria provided, single submitter. Criteria: Invitae Variant Classification Sherloc (09022015). Collection method: clinical testing. Allele origin: germline.

PreventionGenetics, part of Exact Sciences
Classification: Uncertain significance for TMPRSS6-related condition. Last evaluated: 2023-05-26. Review status: criteria provided, single submitter. Criteria: ACMG Guidelines, 2015. Collection method: clinical testing. Allele origin: germline.
Comment: The TMPRSS6 c.334C>T variant is predicted to result in the amino acid substitution p.Arg112Cys. To our knowledge, this variant has not been reported in the literature. This variant is reported in 0.57% of alleles in individuals of African descent in gnomAD. Although we suspect that this variant may be benign, at this time, the clinical significance of this variant is uncertain due to the absence of conclusive functional and genetic evidence.

Illumina Laboratory Services, Illumina
Classification: Likely benign for Iron-refractory iron deficiency anemia. Last evaluated: 2018-01-13. Review status: criteria provided, single submitter. Criteria: ICSL Variant Classification Criteria 13 December 2019. Collection method: clinical testing. Allele origin: germline.
Comment: This variant was observed in the ICSL laboratory as part of a predisposition screen in an ostensibly healthy population. It had not been previously curated by ICSL or reported in the Human Gene Mutation Database (HGMD: prior to June 1st, 2018), and was therefore a candidate for classification through an automated scoring system. Utilizing variant allele frequency, disease prevalence and penetrance estimates, and inheritance mode, an automated score was calculated to assess if this variant is too frequent to cause the disease. Based on the score and internal cut-off values, a variant classified as likely benign is not then subjected to further curation. The score for this variant resulted in a classification of likely benign for this disease.

Breakthrough Genomics
Classification: Likely benign. Review status: criteria provided, single submitter. Criteria: ACMG Guidelines, 2015. Collection method: not provided. Allele origin: germline. Inheritance: Autosomal recessive inheritance. Affected: yes.

NM_001374504.1(TMPRSS6):c.307C>T (p.Arg103Cys)

Gene: TMPRSS6 (transmembrane serine protease 6; minus strand). Cytogenetic location: 22q12.3.
Variant type: single nucleotide variant.
Coding change: c.307C>T on transcript NM_001374504.1 (MANE Select); coding-DNA position 307, C replaced by T.
Protein change: p.Arg103Cys; replaces arginine 103 with cysteine.
Molecular consequence: missense variant.
Genome position (GRCh38, 1-based): chr22:37,098,445, G>A on the plus strand (C>T on the coding strand, the complement: TMPRSS6 is on the minus strand). VCF-style: chr22-37098445-G-A. GRCh37 (hg19) VCF-style: chr22-37494485-G-A.
Other names: c.307C>T, p.Arg103Cys (NM_001289000.2, NM_001289001.2, NM_153609.4); c.334C>T (NM_153609.3); short protein forms R103C.
Identifiers: ClinVar variation 900680 (VCV000900680.9), dbSNP rs113803353, ClinGen allele CA10216123.